The following is an entry in ClinVar:

NM_001377.3(DYNC2H1):c.4515del (p.Glu1506fs)

Gene: DYNC2H1 (dynein cytoplasmic 2 heavy chain 1; plus strand). Cytogenetic location: 11q22.3.
Variant type: Deletion.
Coding change: c.4515del on transcript NM_001377.3 (MANE Select); coding-DNA position 4515, one base deleted (A; older notation c.4515delA).
Protein change: p.Glu1506fs; shifts the reading frame from glutamic acid 1506.
Molecular consequence: frameshift variant.
Genome position (GRCh38, 1-based): chr11:103,163,051, A deleted. VCF-style (leftmost placement, unchanged base first): chr11-103163050-TA-T. GRCh37 (hg19) VCF-style: chr11-103033779-TA-T.
Other names: c.4515del, p.Glu1506fs (NM_001080463.2); short protein forms E1506fs.
Identifiers: ClinVar variation 5015145 (VCV005015145.1).

ClinVar aggregate classification (germline): Pathogenic (1 of 4 stars; one submission).

Conditions:
Asphyxiating thoracic dystrophy 3. Also called: SHORT-RIB THORACIC DYSPLASIA 3 WITH OR WITHOUT POLYDACTYLY; POLYDACTYLY WITH NEONATAL CHONDRODYSTROPHY, TYPE I; SHORT-RIB THORACIC DYSPLASIA 3/6 WITH POLYDACTYLY, DIGENIC; Short rib polydactyly syndrome 2B; Saldino-Noonan Syndrome. Identifiers: Orphanet 474, Orphanet 93269, Orphanet 93270, Orphanet 93271, MedGen C0036069, MONDO:0013127, OMIM 613091.

Submission:

Myriad Genetics, Inc.
Classification: Pathogenic for Asphyxiating thoracic dystrophy 3. Last evaluated: 2025-10-27. Review status: criteria provided, single submitter. Criteria: Myriad Autosomal Dominant, Autosomal Recessive and X-Linked Classification Criteria (2023). Collection method: clinical testing. Allele origin: unknown.
Comment: NM_001377.2(DYNC2H1):c.4515delA(E1506Kfs*2) is expected to be pathogenic in the context of DYNC2H1-related disorders. This variant is predicted to lead to an abnormal or absent protein product due to the creation of a premature termination codon in DYNC2H1, a gene where loss-of-function variants are known to be pathogenic. Please note: this variant was assessed in the context of healthy population screening.